The following is an entry in ClinVar:

NM_017547.4(FOXRED1):c.642C>T (p.Asp214=)

Gene: FOXRED1 (FAD dependent oxidoreductase domain containing 1; plus strand). Cytogenetic location: 11q24.2.
Variant type: single nucleotide variant.
Coding change: c.642C>T on transcript NM_017547.4 (MANE Select); coding-DNA position 642, C replaced by T.
Protein change: p.Asp214=; no amino-acid change (aspartic acid 214 retained).
Molecular consequence: synonymous variant. On other transcripts: non-coding transcript variant (2).
Genome position (GRCh38, 1-based): chr11:126,275,337, C>T. VCF-style: chr11-126275337-C-T. GRCh37 (hg19) VCF-style: chr11-126145232-C-T.
Other names: c.9C>T, p.Asp3= (NM_001425175.1, NM_001425173.1, NM_001425174.1); c.642C>T, p.Asp214= (NM_001425161.1, NM_001425163.1, NM_001425165.1 and 1 more transcripts); c.639C>T, p.Asp213= (NM_001425164.1); c.132C>T, p.Asp44= (NM_001425168.1, NM_001425169.1, NM_001425170.1); c.81C>T, p.Asp27= (NM_001425171.1, NM_001425172.1); c.672C>T, p.Asp224= (NM_001425160.1); c.642C>T (NM_017547.3).
Identifiers: ClinVar variation 3007983 (VCV003007983.5), dbSNP rs781203961, ClinGen allele CA6354166.

ClinVar aggregate classification (germline): Likely benign. Review status: criteria provided, single submitter (1 of 4 stars). 2 submissions from 2 submitters: Likely benign (1). 1 of the submissions does not count toward it. Last evaluated 2024-02-28.

Conditions:
FOXRED1-related disorder. Also called: FOXRED1-related condition.

Allele frequency attached by ClinVar (database versions not stated): gnomAD exomes 0.00004; gnomAD 0.00005; TOPMed 0.00010; ExAC 0.00014.
gnomAD v4.1: 70 of 1,611,782 alleles (0.0043%); highest among the groups gnomAD compares: East Asian, 0.085%; no homozygotes.

Submissions (2):

Labcorp Genetics (formerly Invitae), Labcorp
Classification: Likely benign. Last evaluated: 2024-02-28. Review status: criteria provided, single submitter. Criteria: Invitae Variant Classification Sherloc (09022015). Collection method: clinical testing. Allele origin: germline.

PreventionGenetics, part of Exact Sciences
Classification: Likely benign for FOXRED1-related condition. Last evaluated: 2019-06-17. Review status: no assertion criteria provided. Collection method: clinical testing. Allele origin: germline. Not counted in ClinVar's aggregate classification.
Comment: This variant is classified as likely benign based on ACMG/AMP sequence variant interpretation guidelines (Richards et al. 2015 PMID: 25741868, with internal and published modifications).